The following is an entry in ClinVar:

ClinVar aggregate classification (germline): Uncertain significance (1 of 4 stars; one submission).

Conditions:
Cardiovascular phenotype. Identifiers: MedGen CN230736.
Hereditary cancer-predisposing syndrome. Also called: Hereditary Cancer Syndrome; Hereditary neoplastic syndrome; Neoplastic Syndromes, Hereditary; Tumor predisposition. Identifiers: Orphanet 140162, MedGen C0027672, MeSH D009386, MONDO:0015356.

Submission:

Ambry Genetics
Classification: Uncertain significance for Cardiovascular phenotype; Hereditary cancer-predisposing syndrome. Last evaluated: 2021-06-15. Review status: criteria provided, single submitter. Criteria: Ambry Variant Classification Scheme 2023. Collection method: clinical testing. Allele origin: germline.
Comment: The p.F45L variant (also known as c.135C>A), located in coding exon 1 of the LZTR1 gene, results from a C to A substitution at nucleotide position 135. The phenylalanine at codon 45 is replaced by leucine, an amino acid with highly similar properties. This amino acid position is highly conserved in available vertebrate species. In addition, the in silico prediction for this alteration is inconclusive. Since supporting evidence is limited at this time, the clinical significance of this alteration remains unclear.

NM_006767.4(LZTR1):c.135C>A (p.Phe45Leu)

Gene: LZTR1 (leucine zipper like post translational regulator 1; plus strand). Cytogenetic location: 22q11.21.
Variant type: single nucleotide variant.
Coding change: c.135C>A on transcript NM_006767.4 (MANE Select); coding-DNA position 135, C replaced by A.
Protein change: p.Phe45Leu; replaces phenylalanine 45 with leucine.
Molecular consequence: missense variant.
Genome position (GRCh38, 1-based): chr22:20,982,506, C>A. VCF-style: chr22-20982506-C-A. GRCh37 (hg19) VCF-style: chr22-21336795-C-A.
Other names: short protein forms F45L.
Identifiers: ClinVar variation 1770780 (VCV001770780.2), dbSNP rs1924231421, ClinGen allele CA410777880.